The following is an entry in ClinVar:

NM_024642.5(GALNT12):c.977G>C (p.Gly326Ala)

Gene: GALNT12 (polypeptide N-acetylgalactosaminyltransferase 12; plus strand). Cytogenetic location: 9q22.33.
Variant type: single nucleotide variant.
Coding change: c.977G>C on transcript NM_024642.5 (MANE Select); coding-DNA position 977, G replaced by C.
Protein change: p.Gly326Ala; replaces glycine 326 with alanine.
Molecular consequence: missense variant.
Genome position (GRCh38, 1-based): chr9:98,835,308, G>C. VCF-style: chr9-98835308-G-C. GRCh37 (hg19) VCF-style: chr9-101597590-G-C.
Other names: short protein forms G326A.
Identifiers: ClinVar variation 1768170 (VCV001768170.2), dbSNP rs2490527491, ClinGen allele CA374219444.

ClinVar aggregate classification (germline): Uncertain significance (1 of 4 stars; one submission).

Submission:

Ambry Genetics
Classification: Uncertain significance. Last evaluated: 2020-09-30. Review status: criteria provided, single submitter. Criteria: Ambry Variant Classification Scheme 2023. Collection method: clinical testing. Allele origin: germline.
Comment: The p.G326A variant (also known as c.977G>C), located in coding exon 5 of the GALNT12 gene, results from a G to C substitution at nucleotide position 977. The glycine at codon 326 is replaced by alanine, an amino acid with similar properties. This amino acid position is highly conserved in available vertebrate species. In addition, this alteration is predicted to be deleterious by in silico analysis. Since supporting evidence is limited at this time, the clinical significance of this alteration remains unclear.